The following is an entry in ClinVar:

ClinVar aggregate classification (germline): Benign. Review status: criteria provided, multiple submitters, no conflicts (2 of 4 stars). 2 submissions from 2 submitters: Benign (2). Last evaluated 2018-01-12.

Conditions:
Majeed syndrome (MJDS). Also called: CHRONIC RECURRENT MULTIFOCAL OSTEOMYELITIS 1, WITH CONGENITAL DYSERYTHROPOIETIC ANEMIA, WITH OR WITHOUT NEUTROPHILIC DERMATOSIS; LPIN2-Related Majeed Syndrome. Identifiers: Orphanet 77297, MedGen C1864997, MONDO:0012316, OMIM 609628.

Allele frequency attached by ClinVar (database versions not stated): TOPMed 0.22650; 1000 Genomes Project 30x 0.23923; gnomAD 0.24248 and 0.24588; 1000 Genomes Project 0.24561.

Submissions (2):

Illumina Laboratory Services, Illumina
Classification: Benign for Majeed syndrome. Last evaluated: 2018-01-12. Review status: criteria provided, single submitter. Criteria: ICSL Variant Classification Criteria 13 December 2019. Collection method: clinical testing. Allele origin: germline.
Comment: This variant was observed in the ICSL laboratory as part of a predisposition screen in an ostensibly healthy population. It had not been previously curated by ICSL or reported in the Human Gene Mutation Database (HGMD: prior to June 1st, 2018), and was therefore a candidate for classification through an automated scoring system. Utilizing variant allele frequency, disease prevalence and penetrance estimates, and inheritance mode, an automated score was calculated to assess if this variant is too frequent to cause the disease. Based on the score and internal cut-off values, a variant classified as benign is not then subjected to further curation. The score for this variant resulted in a classification of benign for this disease.

Breakthrough Genomics
Classification: Benign. Review status: criteria provided, single submitter. Criteria: ACMG Guidelines, 2015. Collection method: not provided. Allele origin: germline. Inheritance: Unknown mechanism. Affected: yes.

NM_001375808.2(LPIN2):c.*3068A>T

Gene: LPIN2 (lipin 2; minus strand). Cytogenetic location: 18p11.31.
Variant type: single nucleotide variant.
Coding change: c.*3068A>T on transcript NM_001375808.2 (MANE Select); 3068 bases downstream of the stop codon, A replaced by T.
Molecular consequence: 3 prime UTR variant.
Genome position (GRCh38, 1-based): chr18:2,917,225, T>A on the plus strand (A>T on the coding strand, the complement: LPIN2 is on the minus strand). VCF-style: chr18-2917225-T-A. GRCh37 (hg19) VCF-style: chr18-2917223-T-A.
Other names: c.*3068A>T (NM_001375809.1, NM_014646.2).
Identifiers: ClinVar variation 326546 (VCV000326546.6), dbSNP rs1985, ClinGen allele CA10641203.